The following is an entry in ClinVar:

ClinVar aggregate classification (germline): Conflicting classifications of pathogenicity. Review status: criteria provided, conflicting classifications (1 of 4 stars). 3 submissions from 3 submitters: Uncertain significance (2); Likely benign (1). Last evaluated 2025-01-21.

Conditions:
Inborn genetic diseases. Identifiers: MedGen C0950123, MeSH D030342.
Dextro-looped transposition of the great arteries. Also called: Dextrotransposition of the great arteries. Identifiers: Orphanet 860, MedGen C3531771, MONDO:0019443, OMIM 608808, HP:0031348.

gnomAD v4.1: 70 of 1,613,942 alleles (0.0043%); highest among the groups gnomAD compares: Non-Finnish European, 0.0058%; no homozygotes.

Submissions (3):

Ambry Genetics
Classification: Likely benign for Inborn genetic diseases. Last evaluated: 2025-01-21. Review status: criteria provided, single submitter. Criteria: Ambry Variant Classification Scheme 2023. Collection method: clinical testing. Allele origin: germline.

Labcorp Genetics (formerly Invitae), Labcorp
Classification: Uncertain significance for Dextro-looped transposition of the great arteries. Last evaluated: 2024-06-18. Review status: criteria provided, single submitter. Criteria: Invitae Variant Classification Sherloc (09022015). Collection method: clinical testing. Allele origin: germline.
Comment: This sequence change replaces aspartic acid, which is acidic and polar, with glycine, which is neutral and non-polar, at codon 262 of the MED13L protein (p.Asp262Gly). This variant is present in population databases (no rsID available, gnomAD 0.002%). This variant has not been reported in the literature in individuals affected with MED13L-related conditions. ClinVar contains an entry for this variant (Variation ID: 1707343). Advanced modeling of protein sequence and biophysical properties (such as structural, functional, and spatial information, amino acid conservation, physicochemical variation, residue mobility, and thermodynamic stability) performed at Invitae indicates that this missense variant is not expected to disrupt MED13L protein function with a negative predictive value of 80%. In summary, the available evidence is currently insufficient to determine the role of this variant in disease. Therefore, it has been classified as a Variant of Uncertain Significance.

GeneDx
Classification: Uncertain significance. Last evaluated: 2022-09-16. Review status: criteria provided, single submitter. Criteria: GeneDx Variant Classification Process June 2021. Collection method: clinical testing. Allele origin: germline. Affected: yes.
Comment: In silico analysis supports that this missense variant has a deleterious effect on protein structure/function; Has not been previously published as pathogenic or benign to our knowledge

NM_015335.5(MED13L):c.785A>G (p.Asp262Gly)

Gene: MED13L (mediator complex subunit 13L; minus strand). Cytogenetic location: 12q24.21.
Variant type: single nucleotide variant.
Coding change: c.785A>G on transcript NM_015335.5 (MANE Select); coding-DNA position 785, A replaced by G.
Protein change: p.Asp262Gly; replaces aspartic acid 262 with glycine.
Molecular consequence: missense variant.
Genome position (GRCh38, 1-based): chr12:116,019,813, T>C on the plus strand (A>G on the coding strand, the complement: MED13L is on the minus strand). VCF-style: chr12-116019813-T-C. GRCh37 (hg19) VCF-style: chr12-116457618-T-C.
Other names: short protein forms D262G.
Identifiers: ClinVar variation 1707343 (VCV001707343.6), dbSNP rs1417904088, ClinGen allele CA386870886.